The following is an entry in ClinVar:

NM_006070.6(TFG):c.550G>A (p.Ala184Thr)

Gene: TFG (trafficking from ER to golgi regulator; plus strand). Cytogenetic location: 3q12.2.
Variant type: single nucleotide variant.
Coding change: c.550G>A on transcript NM_006070.6 (MANE Select); coding-DNA position 550, G replaced by A.
Protein change: p.Ala184Thr; replaces alanine 184 with threonine.
Molecular consequence: missense variant.
Genome position (GRCh38, 1-based): chr3:100,732,642, G>A. VCF-style: chr3-100732642-G-A. GRCh37 (hg19) VCF-style: chr3-100451486-G-A.
Other names: c.550G>A, p.Ala184Thr (NM_001007565.2, NM_001195478.2, NM_001195479.2); short protein forms A184T.
Identifiers: ClinVar variation 809518 (VCV000809518.52), dbSNP rs777654574, ClinGen allele CA2517105.

ClinVar aggregate classification (germline): Uncertain significance. Review status: criteria provided, multiple submitters, no conflicts (2 of 4 stars). 5 submissions from 5 submitters: Uncertain significance (5). Last evaluated 2025-04-18.

Conditions:
TFG-related disorder. Also called: TFG-related condition; TFG-related disorders.
Hereditary motor and sensory neuropathy, Okinawa type (HMSNO). Also called: HEREDITARY MOTOR AND SENSORY NEUROPATHY, PROXIMAL TYPE. Identifiers: Orphanet 90117, MedGen C1858338, MONDO:0011468, OMIM 604484.
Hereditary spastic paraplegia 57. Also called: Spastic paraplegia 57, autosomal recessive. Identifiers: Orphanet 431329, MedGen C3714897, MONDO:0014295, OMIM 615658.

Allele frequency attached by ClinVar (database versions not stated): ExAC 0.00001; gnomAD exomes 0.00001.
gnomAD v4.1: 12 of 1,611,602 alleles (0.00074%); highest among the groups gnomAD compares: Admixed American, 0.0017%; no homozygotes.

Submissions (5):

PreventionGenetics, part of Exact Sciences
Classification: Uncertain significance for TFG-related condition. Last evaluated: 2025-04-18. Review status: criteria provided, single submitter. Criteria: ACMG Guidelines, 2015. Collection method: clinical testing. Allele origin: germline.
Comment: The TFG c.550G>A variant is predicted to result in the amino acid substitution p.Ala184Thr. To our knowledge, this variant has not been reported in the literature. This variant is present in 0.0030% of alleles in individuals of Latino descent in gnomAD. At this time, the clinical significance of this variant is uncertain due to the absence of conclusive functional and genetic evidence.

Labcorp Genetics (formerly Invitae), Labcorp
Classification: Uncertain significance for Hereditary motor and sensory neuropathy, Okinawa type; Hereditary spastic paraplegia 57. Last evaluated: 2023-10-28. Review status: criteria provided, single submitter. Criteria: Invitae Variant Classification Sherloc (09022015). Collection method: clinical testing. Allele origin: germline.
Comment: This sequence change replaces alanine, which is neutral and non-polar, with threonine, which is neutral and polar, at codon 184 of the TFG protein (p.Ala184Thr). This variant is present in population databases (rs777654574, gnomAD 0.003%). This variant has not been reported in the literature in individuals affected with TFG-related conditions. ClinVar contains an entry for this variant (Variation ID: 809518). Advanced modeling of protein sequence and biophysical properties (such as structural, functional, and spatial information, amino acid conservation, physicochemical variation, residue mobility, and thermodynamic stability) performed at Invitae indicates that this missense variant is not expected to disrupt TFG protein function with a negative predictive value of 80%. In summary, the available evidence is currently insufficient to determine the role of this variant in disease. Therefore, it has been classified as a Variant of Uncertain Significance.

Revvity Omics, Revvity
Classification: Uncertain significance. Last evaluated: 2022-06-07. Review status: criteria provided, single submitter. Criteria: ACMG Guidelines, 2015. Collection method: clinical testing. Allele origin: germline.

GeneDx
Classification: Uncertain significance. Last evaluated: 2020-01-03. Review status: criteria provided, single submitter. Criteria: GeneDx Variant Classification Process June 2021. Collection method: clinical testing. Allele origin: germline. Affected: yes.
Comment: Not observed at a significant frequency in large population cohorts (Lek et al., 2016); In silico analysis, which includes protein predictors and evolutionary conservation, supports that this variant does not alter protein structure/function; Has not been previously published as pathogenic or benign to our knowledge

CeGaT Center for Human Genetics Tuebingen
Classification: Uncertain significance. Last evaluated: 2016-10-01. Review status: criteria provided, single submitter. Criteria: CeGaT Center For Human Genetics Tuebingen Variant Classification Criteria Version 2. Collection method: clinical testing. Allele origin: germline. Affected: yes. Observed: 1 variant allele.